The following is an entry in ClinVar:

ClinVar aggregate classification (germline): Likely pathogenic. Review status: criteria provided, multiple submitters, no conflicts (2 of 4 stars). 2 submissions from 2 submitters: Likely pathogenic (2). Last evaluated 2025-02-23.

Conditions:
Developmental and epileptic encephalopathy, 9 (DEE9). Also called: Early infantile epileptic encephalopathy 9; EPILEPSY, FEMALE-RESTRICTED, WITH MENTAL RETARDATION; JUBERG-HELLMAN SYNDROME; PCDH19-Related X-Linked Female-Limited Epilepsy with Mental Retardation. Identifiers: Orphanet 101039, Orphanet 2076, MedGen C1848137, MONDO:0010246, OMIM 300088. Disease mechanism: loss of function.

Submissions (2):

Labcorp Genetics (formerly Invitae), Labcorp
Classification: Likely pathogenic for Developmental and epileptic encephalopathy, 9. Last evaluated: 2025-02-23. Review status: criteria provided, single submitter. Criteria: Invitae Variant Classification Sherloc (09022015). Collection method: clinical testing. Allele origin: germline.
Comment: This sequence change replaces glutamic acid, which is acidic and polar, with glycine, which is neutral and non-polar, at codon 414 of the PCDH19 protein (p.Glu414Gly). This variant is not present in population databases (gnomAD no frequency). This variant has not been reported in the literature in individuals affected with PCDH19-related conditions. Invitae Evidence Modeling of protein sequence and biophysical properties (such as structural, functional, and spatial information, amino acid conservation, physicochemical variation, residue mobility, and thermodynamic stability) indicates that this missense variant is expected to disrupt PCDH19 protein function with a positive predictive value of 95%. This variant disrupts the p.Glu414 amino acid residue in PCDH19. Other variant(s) that disrupt this residue have been determined to be pathogenic (PMID: 27527380; internal data). This suggests that this residue is clinically significant, and that variants that disrupt this residue are likely to be disease-causing. In summary, the currently available evidence indicates that the variant is pathogenic, but additional data are needed to prove that conclusively. Therefore, this variant has been classified as Likely Pathogenic.

Center of Human Genetics, Hôpital Erasme
Classification: Likely pathogenic for Developmental and epileptic encephalopathy, 9. Last evaluated: 2025-01-01. Review status: criteria provided, single submitter. Criteria: ACMG Guidelines, 2015. Collection method: clinical testing. Allele origin: de novo. Affected: yes.

Literature cited by the submitters: PubMed 27527380 (cited by Labcorp Genetics (formerly Invitae), Labcorp).

NM_001184880.2(PCDH19):c.1241A>G (p.Glu414Gly)

Gene: PCDH19 (protocadherin 19; minus strand). Cytogenetic location: Xq22.1.
Variant type: single nucleotide variant.
Coding change: c.1241A>G on transcript NM_001184880.2 (MANE Select); coding-DNA position 1241, A replaced by G.
Protein change: p.Glu414Gly; replaces glutamic acid 414 with glycine.
Molecular consequence: missense variant.
Genome position (GRCh38, 1-based): chrX:100,407,357, T>C on the plus strand (A>G on the coding strand, the complement: PCDH19 is on the minus strand). VCF-style: chrX-100407357-T-C. GRCh37 (hg19) VCF-style: chrX-99662355-T-C.
Other names: c.1241A>G, p.Glu414Gly (NM_001105243.2, NM_020766.3); c.1241A>G (NM_001184880.1); short protein forms E414G.
Identifiers: ClinVar variation 3630763 (VCV003630763.3).